The following is an entry in ClinVar:

ClinVar aggregate classification (germline): Uncertain significance (1 of 4 stars; one submission).

Conditions:
Epilepsy, familial focal, with variable foci 3 (FFEVF3). Identifiers: MedGen C4310708, MONDO:0014925, OMIM 617118.

gnomAD v4.1: 1 of 1,611,458 alleles (0.000062%); highest among the groups gnomAD compares: South Asian, 0.0011%; no homozygotes.

Submission:

Labcorp Genetics (formerly Invitae), Labcorp
Classification: Uncertain significance for Epilepsy, familial focal, with variable foci 3. Last evaluated: 2022-12-13. Review status: criteria provided, single submitter. Criteria: Invitae Variant Classification Sherloc (09022015). Collection method: clinical testing. Allele origin: germline.
Comment: This sequence change replaces methionine, which is neutral and non-polar, with isoleucine, which is neutral and non-polar, at codon 456 of the NPRL3 protein (p.Met456Ile). This variant is not present in population databases (gnomAD no frequency). This variant has not been reported in the literature in individuals affected with NPRL3-related conditions. Advanced modeling of protein sequence and biophysical properties (such as structural, functional, and spatial information, amino acid conservation, physicochemical variation, residue mobility, and thermodynamic stability) performed at Invitae indicates that this missense variant is not expected to disrupt NPRL3 protein function. In summary, the available evidence is currently insufficient to determine the role of this variant in disease. Therefore, it has been classified as a Variant of Uncertain Significance.

NM_001077350.3(NPRL3):c.1368G>T (p.Met456Ile)

Genes: HBA-LCR (alpha-globin locus control region; plus strand), NPRL3 (NPR3 like, GATOR1 complex subunit; minus strand). Cytogenetic location: 16p13.3.
Variant type: single nucleotide variant.
Coding change: c.1368G>T on transcript NM_001077350.3 (MANE Select); coding-DNA position 1368, G replaced by T.
Protein change: p.Met456Ile; replaces methionine 456 with isoleucine.
Molecular consequence: missense variant.
Genome position (GRCh38, 1-based): chr16:88,874, C>A on the plus strand (G>T on the coding strand, the complement: NPRL3 is on the minus strand). VCF-style: chr16-88874-C-A. GRCh37 (hg19) VCF-style: chr16-138872-C-A.
Other names: c.831G>T, p.Met277Ile (NM_001039476.3); c.1134G>T, p.Met378Ile (NM_001243247.2); c.1293G>T, p.Met431Ile (NM_001243248.2, NM_001243249.2); short protein forms M431I, M277I, M456I, M378I.
Identifiers: ClinVar variation 2820516 (VCV002820516.3), dbSNP rs1213665281, ClinGen allele CA394049857.